The following is an entry in ClinVar:

ClinVar aggregate classification (germline): Conflicting classifications of pathogenicity. Review status: criteria provided, conflicting classifications (1 of 4 stars). 5 submissions from 5 submitters: Uncertain significance (2); Benign (1); Likely benign (2). Last evaluated 2026-01-19.

Conditions:
Hypertrophic cardiomyopathy 26. Also called: Cardiomyopathy, familial hypertrophic, 26. Identifiers: Orphanet 75249, MedGen C4310749, MONDO:0014883, OMIM 617047.
Distal myopathy with posterior leg and anterior hand involvement. Also called: WILLIAMS DISTAL MYOPATHY. Identifiers: Orphanet 63273, MedGen C3279722, MONDO:0013550, OMIM 614065.
Myofibrillar myopathy 5. Also called: Filaminopathy (type); FILAMINOPATHY, AUTOSOMAL DOMINANT. Identifiers: Orphanet 171445, MedGen C1836050, MONDO:0012289, OMIM 609524.
FLNC-related disorder. Also called: FLNC-related condition; FLNC-related disorders.
Cardiovascular phenotype. Identifiers: MedGen CN230736.

Allele frequency attached by ClinVar (database versions not stated): gnomAD 0.00003 and 0.00004; TOPMed 0.00008; ExAC 0.00015; gnomAD exomes 0.00017.
gnomAD v4.1: 66 of 1,613,770 alleles (0.0041%); highest among the groups gnomAD compares: Admixed American, 0.087%; no homozygotes.

Submissions (5):

Labcorp Genetics (formerly Invitae), Labcorp
Classification: Likely benign for Distal myopathy with posterior leg and anterior hand involvement; Myofibrillar myopathy 5; Hypertrophic cardiomyopathy 26. Last evaluated: 2026-01-19. Review status: criteria provided, single submitter. Criteria: Invitae Variant Classification Sherloc (09022015). Collection method: clinical testing. Allele origin: germline.

PreventionGenetics, part of Exact Sciences
Classification: Likely benign for FLNC-related condition. Last evaluated: 2025-11-05. Review status: criteria provided, single submitter. Criteria: ACMG Guidelines, 2015. Collection method: clinical testing. Allele origin: germline.
Comment: This variant is classified as likely benign based on ACMG/AMP sequence variant interpretation guidelines (Richards et al. 2015 PMID: 25741868, with internal and published modifications).

Ambry Genetics
Classification: Benign for Cardiovascular phenotype. Last evaluated: 2025-04-09. Review status: criteria provided, single submitter. Criteria: Ambry Variant Classification Scheme 2023. Collection method: clinical testing. Allele origin: germline.

Revvity Omics, Revvity
Classification: Uncertain significance. Last evaluated: 2023-01-25. Review status: criteria provided, single submitter. Criteria: ACMG Guidelines, 2015. Collection method: clinical testing. Allele origin: germline.

GeneDx
Classification: Uncertain significance. Last evaluated: 2019-10-23. Review status: criteria provided, single submitter. Criteria: GeneDx Variant Classification Process June 2021. Collection method: clinical testing. Allele origin: germline. Affected: yes.
Comment: Has not been previously published as pathogenic or benign to our knowledge; In silico analysis, which includes protein predictors and evolutionary conservation, supports a deleterious effect

NM_001458.5(FLNC):c.1535C>T (p.Thr512Met)

Gene: FLNC (filamin C; plus strand). Cytogenetic location: 7q32.1.
Variant type: single nucleotide variant.
Coding change: c.1535C>T on transcript NM_001458.5 (MANE Select); coding-DNA position 1535, C replaced by T.
Protein change: p.Thr512Met; replaces threonine 512 with methionine.
Molecular consequence: missense variant.
Genome position (GRCh38, 1-based): chr7:128,840,146, C>T. VCF-style: chr7-128840146-C-T. GRCh37 (hg19) VCF-style: chr7-128480200-C-T.
Other names: c.1535C>T, p.Thr512Met (NM_001127487.2); short protein forms T512M.
Identifiers: ClinVar variation 772701 (VCV000772701.16), dbSNP rs775538827, ClinGen allele CA4474371.